The following is an entry in ClinVar:

ClinVar aggregate classification (germline): Uncertain significance (1 of 4 stars; one submission).

Allele frequency attached by ClinVar (database versions not stated): TOPMed below 0.00001.

Submission:

Labcorp Genetics (formerly Invitae), Labcorp
Classification: Uncertain significance. Last evaluated: 2024-10-26. Review status: criteria provided, single submitter. Criteria: Invitae Variant Classification Sherloc (09022015). Collection method: clinical testing. Allele origin: germline.
Comment: This sequence change replaces phenylalanine, which is neutral and non-polar, with isoleucine, which is neutral and non-polar, at codon 569 of the TCF3 protein (p.Phe569Ile). This variant is not present in population databases (gnomAD no frequency). This variant has not been reported in the literature in individuals affected with TCF3-related conditions. Invitae Evidence Modeling of protein sequence and biophysical properties (such as structural, functional, and spatial information, amino acid conservation, physicochemical variation, residue mobility, and thermodynamic stability) indicates that this missense variant is expected to disrupt TCF3 protein function with a positive predictive value of 80%. In summary, the available evidence is currently insufficient to determine the role of this variant in disease. Therefore, it has been classified as a Variant of Uncertain Significance.

NM_003200.5(TCF3):c.1705T>A (p.Phe569Ile)

Gene: TCF3 (transcription factor 3; minus strand). Cytogenetic location: 19p13.3.
Variant type: single nucleotide variant.
Coding change: c.1705T>A on transcript NM_003200.5 (MANE Select); coding-DNA position 1705, T replaced by A.
Protein change: p.Phe569Ile; replaces phenylalanine 569 with isoleucine.
Molecular consequence: missense variant. On other transcripts: intron variant (2).
Genome position (GRCh38, 1-based): chr19:1,615,402, A>T on the plus strand (T>A on the coding strand, the complement: TCF3 is on the minus strand). VCF-style: chr19-1615402-A-T. GRCh37 (hg19) VCF-style: chr19-1615401-A-T.
Other names: c.1702T>A, p.Phe568Ile (NM_001351778.2); c.1586+284T>A (NM_001136139.4, NM_001351779.2); short protein forms F569I, F568I.
Identifiers: ClinVar variation 2808860 (VCV002808860.3), dbSNP rs2061445065, ClinGen allele CA403050510.
Genomic context (GRCh38, chr19:1,615,402, plus strand): 5'-GTTTGGTCTGGGGCTTCTCGCTGTTGAGGTGCAGTTGGCACATGCGCCCCAGCTCCTTAA[A>T]GGCCTCGTTGATGTCACGGACCCGCAGCCGCTCCCGGGCGTTATTGGCCACCCGGCGCTC-3'
Protein context (NP_003191.1, residues 559-579): RLRVRDINEA[Phe569Ile]KELGRMCQLH